The following is an entry in ClinVar:

ClinVar aggregate classification (germline): Uncertain significance (1 of 4 stars; one submission).

Conditions:
Primary ciliary dyskinesia. Also called: Ciliary dyskinesia. Identifiers: Orphanet 244, MedGen C0008780, MONDO:0016575, HP:0012265.

Submission:

Ambry Genetics
Classification: Uncertain significance for Primary ciliary dyskinesia. Last evaluated: 2026-06-01. Review status: criteria provided, single submitter. Criteria: Ambry Variant Classification Scheme 2023. Collection method: clinical testing. Allele origin: germline.
Comment: The p.K172E variant (also known as c.514A>G), located in coding exon 1 of the RSPH4A gene, results from an A to G substitution at nucleotide position 514. The lysine at codon 172 is replaced by glutamic acid, an amino acid with similar properties. This amino acid position is conserved. In addition, this alteration is predicted to be tolerated by in silico analysis. Based on the available evidence, the clinical significance of this variant remains unclear.

NM_001010892.3(RSPH4A):c.514A>G (p.Lys172Glu)

Gene: RSPH4A (radial spoke head component 4A; plus strand). Cytogenetic location: 6q22.1.
Variant type: single nucleotide variant.
Coding change: c.514A>G on transcript NM_001010892.3 (MANE Select); coding-DNA position 514, A replaced by G.
Protein change: p.Lys172Glu; replaces lysine 172 with glutamic acid.
Molecular consequence: missense variant.
Genome position (GRCh38, 1-based): chr6:116,617,137, A>G. VCF-style: chr6-116617137-A-G. GRCh37 (hg19) VCF-style: chr6-116938300-A-G.
Other names: c.514A>G, p.Lys172Glu (NM_001161664.2); short protein forms K172E.
Identifiers: ClinVar variation 4863506 (VCV004863506.1).